The following is an entry in ClinVar:

ClinVar aggregate classification (germline): Uncertain significance (1 of 4 stars; one submission).

Conditions:
CHARGE syndrome (CHARGE). Also called: CHARGE ASSOCIATION--COLOBOMA, HEART ANOMALY, CHOANAL ATRESIA, RETARDATION, GENITAL AND EAR ANOMALIES; Coloboma, heart anomaly, choanal atresia, retardation, genital and ear anomalies; CHARGE association; Hall-Hittner syndrome; Hittner Hirsch Kreh syndrome. Identifiers: Orphanet 138, MedGen C0265354, MONDO:0008965.

Submission:

Labcorp Genetics (formerly Invitae), Labcorp
Classification: Uncertain significance for CHARGE association. Last evaluated: 2019-05-15. Review status: criteria provided, single submitter. Criteria: Invitae Variant Classification Sherloc (09022015). Collection method: clinical testing. Allele origin: germline.
Comment: This sequence change replaces phenylalanine with serine at codon 2545 of the CHD7 protein (p.Phe2545Ser). The phenylalanine residue is highly conserved and there is a large physicochemical difference between phenylalanine and serine. This variant is not present in population databases (ExAC no frequency). This variant has not been reported in the literature in individuals with CHD7-related conditions. Algorithms developed to predict the effect of missense changes on protein structure and function (SIFT, PolyPhen-2, Align-GVGD) all suggest that this variant is likely to be tolerated, but these predictions have not been confirmed by published functional studies and their clinical significance is uncertain. In summary, the available evidence is currently insufficient to determine the role of this variant in disease. Therefore, it has been classified as a Variant of Uncertain Significance.

NM_017780.4(CHD7):c.7634T>C (p.Phe2545Ser)

Gene: CHD7 (chromodomain helicase DNA binding protein 7; plus strand). Cytogenetic location: 8q12.2.
Variant type: single nucleotide variant.
Coding change: c.7634T>C on transcript NM_017780.4 (MANE Select); coding-DNA position 7634, T replaced by C.
Protein change: p.Phe2545Ser; replaces phenylalanine 2545 with serine.
Molecular consequence: missense variant. On other transcripts: intron variant (1).
Genome position (GRCh38, 1-based): chr8:60,860,929, T>C. VCF-style: chr8-60860929-T-C. GRCh37 (hg19) VCF-style: chr8-61773488-T-C.
Other names: c.1717-1300T>C (NM_001316690.1); short protein forms F2545S.
Identifiers: ClinVar variation 855829 (VCV000855829.1), dbSNP rs1805939500, ClinGen allele CA371304213.